The following is an entry in ClinVar:

ClinVar aggregate classification (germline): Conflicting classifications of pathogenicity. Review status: criteria provided, conflicting classifications (1 of 4 stars). 2 submissions from 2 submitters: Likely pathogenic (1); Uncertain significance (1). Last evaluated 2025-06-12.

Conditions:
Jeune thoracic dystrophy. Also called: Jeune syndrome; Infantile thoracic dystrophy; Thoracic pelvic phalangeal dystrophy; Jeune's syndrome; Chondroectodermal dysplasia-like syndrome; Short-rib thoracic dysplasia. Identifiers: Orphanet 474, MedGen C0265275, MONDO:0018770.

Allele frequency attached by ClinVar (database versions not stated): TOPMed below 0.00001; ExAC 0.00001; gnomAD exomes 0.00001.
gnomAD v4.1: 8 of 1,612,634 alleles (0.0005%); highest among the groups gnomAD compares: Admixed American, 0.005%; no homozygotes.

Submissions (2):

Women's Health and Genetics/Laboratory Corporation of America, LabCorp
Classification: Uncertain significance. Last evaluated: 2025-06-12. Review status: criteria provided, single submitter. Criteria: LabCorp Variant Classification Summary - May 2015. Collection method: clinical testing. Allele origin: germline.
Comment: Variant summary: DYNC2H1 c.12430C>T (p.Pro4144Ser) results in a non-conservative amino acid change located in the dynein heavy chain, C-terminal domain (IPR041228) of the encoded protein sequence. Algorithms developed to predict the effect of missense changes on protein structure and function are either unavailable or do not agree on the potential impact of this missense change. The variant allele was found at a frequency of 1.2e-05 in 248596 control chromosomes. The available data on variant occurrences in the general population are insufficient to allow any conclusion about variant significance. To our knowledge, no occurrence of c.12430C>T in individuals affected with Short-rib thoracic dysplasia and no experimental evidence demonstrating its impact on protein function have been reported. ClinVar contains an entry for this variant (Variation ID: 2720393). Based on the evidence outlined above, the variant was classified as uncertain significance.

Labcorp Genetics (formerly Invitae), Labcorp
Classification: Likely pathogenic for Jeune thoracic dystrophy. Last evaluated: 2023-09-29. Review status: criteria provided, single submitter. Criteria: Invitae Variant Classification Sherloc (09022015). Collection method: clinical testing. Allele origin: germline.
Comment: This sequence change replaces proline, which is neutral and non-polar, with serine, which is neutral and polar, at codon 4144 of the DYNC2H1 protein (p.Pro4144Ser). This variant is present in population databases (rs751823989, gnomAD 0.009%). This variant has not been reported in the literature in individuals affected with DYNC2H1-related conditions. Advanced modeling of protein sequence and biophysical properties (such as structural, functional, and spatial information, amino acid conservation, physicochemical variation, residue mobility, and thermodynamic stability) performed at Invitae indicates that this missense variant is expected to disrupt DYNC2H1 protein function. This variant disrupts the p.Pro4144 amino acid residue in DYNC2H1. Other variant(s) that disrupt this residue have been determined to be pathogenic (PMID: 29068549, 30655312). This suggests that this residue is clinically significant, and that variants that disrupt this residue are likely to be disease-causing. In summary, the currently available evidence indicates that the variant is pathogenic, but additional data are needed to prove that conclusively. Therefore, this variant has been classified as Likely Pathogenic.

Literature cited by the submitters: PubMed 29068549 (cited by Labcorp Genetics (formerly Invitae), Labcorp); PubMed 30655312 (cited by Labcorp Genetics (formerly Invitae), Labcorp).

NM_001377.3(DYNC2H1):c.12409C>T (p.Pro4137Ser)

Gene: DYNC2H1 (dynein cytoplasmic 2 heavy chain 1; plus strand). Cytogenetic location: 11q22.3.
Variant type: single nucleotide variant.
Coding change: c.12409C>T on transcript NM_001377.3 (MANE Select); coding-DNA position 12409, C replaced by T.
Protein change: p.Pro4137Ser; replaces proline 4137 with serine.
Molecular consequence: missense variant.
Genome position (GRCh38, 1-based): chr11:103,435,985, C>T. VCF-style: chr11-103435985-C-T. GRCh37 (hg19) VCF-style: chr11-103306713-C-T.
Other names: c.12430C>T, p.Pro4144Ser (NM_001080463.2); short protein forms P4137S, P4144S.
Identifiers: ClinVar variation 2720393 (VCV002720393.5), dbSNP rs751823989, ClinGen allele CA6255545.
Genomic context (GRCh38, chr11:103,435,985, plus strand): 5'-ACCCTTTTTAAATTGCAGTGTCCTCTCGCATGGCAGAGCAAGTGGGAAGGCCCAGAAGAT[C>T]CCTTACAATACCTGAGAGGTCTTGTTGCCCGTGCCCTTGCAATACAGGTATGCCTAAATT-3'
Protein context (NP_001368.2, residues 4127-4147): WQSKWEGPED[Pro4137Ser]LQYLRGLVAR